The following is an entry in ClinVar:

NC_000001.10:g.(?_229576005)_(229580750_229584872)dup

Gene: NUP133 (nucleoporin 133; minus strand). Cytogenetic location: 1q42.13.
Variant type: Duplication.
Identifiers: ClinVar variation 3335980 (VCV003335980.1).

ClinVar aggregate classification (germline): Uncertain significance (1 of 4 stars; one submission).

Submission:

Women's Health and Genetics/Laboratory Corporation of America, LabCorp
Classification: Uncertain significance. Last evaluated: 2024-05-13. Review status: criteria provided, single submitter. Criteria: LabCorp Variant Classification Summary - May 2015. Collection method: clinical testing. Allele origin: germline.
Comment: Variant summary: The variant involves the duplication of exons 25-26 in the NUP133 gene. A presumed nomenclature of c.(3245+1_3246-1)_(*1646_?)dup has been designated for the purposes of this classification. The exact breakpoint at the 3' end of this variant is unknown, therefore this duplication may extend downstream of the annotated region of the gene. As it duplicates the termination codon, its effect on the encoded protein is unknown. The variant was absent in 21694 control chromosomes (gnomAD SVs v2). The available data on variant occurrences in the general population are insufficient to allow any conclusion about variant significance. To our knowledge, no occurrence of c.(3245+1_3246-1)_(*1646_?)dup in individuals affected with NUP133-Related Disorders and no experimental evidence demonstrating its impact on protein function have been reported. No submitters have cited clinical-significance assessments for this variant to ClinVar. Based on the evidence outlined above, the variant was classified as uncertain significance.